The following is an entry in ClinVar:

ClinVar aggregate classification (germline): Uncertain significance. Review status: criteria provided, multiple submitters, no conflicts (2 of 4 stars). 4 submissions from 4 submitters: Uncertain significance (4). Last evaluated 2026-04-11.

Conditions:
IFT140-related disorder. Also called: IFT140-related condition.
Saldino-Mainzer syndrome (SRTD9). Also called: CONORENAL SYNDROME; Renal dysplasia, retinal pigmentary dystrophy, cerebellar ataxia and skeletal dysplasia; SHORT-RIB THORACIC DYSPLASIA 9 WITHOUT POLYDACTYLY; short-rib thoracic dysplasia 9 with or without polydactyly. Identifiers: Orphanet 140969, MedGen C1849437, MONDO:0009964, OMIM 266920.
Retinitis pigmentosa 80 (RP80). Identifiers: MedGen C4540439, MONDO:0054708, OMIM 617781.

Allele frequency attached by ClinVar (database versions not stated): TOPMed 0.00003; gnomAD 0.00004 and 0.00003; ExAC 0.00002; gnomAD exomes 0.00002 and 0.00003.
gnomAD v4.1: 47 of 1,612,334 alleles (0.0029%); highest among the groups gnomAD compares: East Asian, 0.011%; no homozygotes.

Submissions (4):

PreventionGenetics, part of Exact Sciences
Classification: Uncertain significance for IFT140-related condition. Last evaluated: 2026-04-11. Review status: criteria provided, single submitter. Criteria: ACMG Guidelines, 2015. Collection method: clinical testing. Allele origin: germline.
Comment: The IFT140 c.1726C>T variant is predicted to result in the amino acid substitution p.Arg576Trp. This variant has been reported in the heterozygous state in two patients with polycystic kidneys but without a family history (Fujimaru et al. 2024. PubMed ID: 39291187). In addition, this variant was found in the heterozygous state in multiple patients with polycystic kidneys at PreventionGenetics (internal data). Of note, different rare substitutions at the same codon have been reported in IFT140-related autosomal recessive diseases as following: Mainzer-Saldino syndrome (p.Arg576Gln in Perrault et al. 2012. PubMed ID: 22503633, but no second variant identified), retinitis pigmentosa (compound heterozygous p.Arg576Leu with another missense variant in Huang et al. 2017. PubMed ID: 28512305), and sporadic congenital heart disease (CHD) (compound heterozygous p.Arg576Leu with another missense variant in Table S10 of Alankarage et al. 2019. PubMed ID: 30293987). The c.1726C>T (p.Arg576Trp) variant is reported in 0.0081% of alleles in individuals of African descent in gnomAD. Of note, loss-of-function is the disease causing mechanism shared by both autosomal dominant and recessive IFT140-related disorders. Although we highly suspect that this variant is pathogenic, at this time, the clinical significance of this variant is uncertain due to the absence of conclusive functional and genetic evidence.

Labcorp Genetics (formerly Invitae), Labcorp
Classification: Uncertain significance for Saldino-Mainzer syndrome. Last evaluated: 2025-04-22. Review status: criteria provided, single submitter. Criteria: Invitae Variant Classification Sherloc (09022015). Collection method: clinical testing. Allele origin: germline.
Comment: This sequence change replaces arginine, which is basic and polar, with tryptophan, which is neutral and slightly polar, at codon 576 of the IFT140 protein (p.Arg576Trp). This variant is present in population databases (rs757678246, gnomAD 0.008%). This variant has not been reported in the literature in individuals affected with IFT140-related conditions. ClinVar contains an entry for this variant (Variation ID: 1349512). Invitae Evidence Modeling of protein sequence and biophysical properties (such as structural, functional, and spatial information, amino acid conservation, physicochemical variation, residue mobility, and thermodynamic stability) has been performed for this missense variant. However, the output from this modeling did not meet the statistical confidence thresholds required to predict the impact of this variant on IFT140 protein function. In summary, the available evidence is currently insufficient to determine the role of this variant in disease. Therefore, it has been classified as a Variant of Uncertain Significance.

Fulgent Genetics
Classification: Uncertain significance for Saldino-Mainzer syndrome; Retinitis pigmentosa 80. Last evaluated: 2022-03-19. Review status: criteria provided, single submitter. Criteria: ACMG Guidelines, 2015. Collection method: clinical testing. Allele origin: unknown.

Blueprint Genetics
Classification: Uncertain significance. Last evaluated: 2021-12-23. Review status: criteria provided, single submitter. Criteria: ACMG Guidelines, 2015. Collection method: clinical testing. Allele origin: germline.

NM_014714.4(IFT140):c.1726C>T (p.Arg576Trp)

Gene: IFT140 (intraflagellar transport 140; minus strand). Cytogenetic location: 16p13.3.
Variant type: single nucleotide variant.
Coding change: c.1726C>T on transcript NM_014714.4 (MANE Select); coding-DNA position 1726, C replaced by T.
Protein change: p.Arg576Trp; replaces arginine 576 with tryptophan.
Molecular consequence: missense variant.
Genome position (GRCh38, 1-based): chr16:1,568,261, G>A on the plus strand (C>T on the coding strand, the complement: IFT140 is on the minus strand). VCF-style: chr16-1568261-G-A. GRCh37 (hg19) VCF-style: chr16-1618262-G-A.
Other names: c.1726C>T (NM_014714.3); short protein forms R576W.
Identifiers: ClinVar variation 1349512 (VCV001349512.9), dbSNP rs757678246, ClinGen allele CA7814166.